The following is an entry in ClinVar:

ClinVar aggregate classification (germline): Uncertain significance (1 of 4 stars; one submission).

Conditions:
Severe combined immunodeficiency due to LCK deficiency. Also called: Immunodeficiency 22. Identifiers: Orphanet 280142, MedGen C4014233, MONDO:0014334, OMIM 615758.

Submission:

Labcorp Genetics (formerly Invitae), Labcorp
Classification: Uncertain significance for Severe combined immunodeficiency due to LCK deficiency. Last evaluated: 2020-08-11. Review status: criteria provided, single submitter. Criteria: Invitae Variant Classification Sherloc (09022015). Collection method: clinical testing. Allele origin: germline.
Comment: Algorithms developed to predict the effect of missense changes on protein structure and function are either unavailable or do not agree on the potential impact of this missense change (SIFT: "Deleterious"; PolyPhen-2: "Probably Damaging"; Align-GVGD: "Class C0"). This variant has not been reported in the literature in individuals with LCK-related conditions. This variant is not present in population databases (ExAC no frequency). This sequence change replaces threonine with proline at codon 501 of the LCK protein (p.Thr501Pro). The threonine residue is highly conserved and there is a small physicochemical difference between threonine and proline. In summary, the available evidence is currently insufficient to determine the role of this variant in disease. Therefore, it has been classified as a Variant of Uncertain Significance.

NM_005356.5(LCK):c.1501A>C (p.Thr501Pro)

Gene: LCK (LCK proto-oncogene, Src family tyrosine kinase; plus strand). Cytogenetic location: 1p35.2.
Variant type: single nucleotide variant.
Coding change: c.1501A>C on transcript NM_005356.5 (MANE Select); coding-DNA position 1501, A replaced by C.
Protein change: p.Thr501Pro; replaces threonine 501 with proline.
Molecular consequence: missense variant.
Genome position (GRCh38, 1-based): chr1:32,285,687, A>C. VCF-style: chr1-32285687-A-C. GRCh37 (hg19) VCF-style: chr1-32751288-A-C.
Other names: c.1501A>C, p.Thr501Pro (NM_001042771.3); c.1348A>C, p.Thr450Pro (NM_001330468.2); short protein forms T501P, T450P.
Identifiers: ClinVar variation 1034906 (VCV001034906.8), dbSNP rs1640594194, ClinGen allele CA339644291.